The following is an entry in ClinVar:

NM_005909.5(MAP1B):c.4394T>C (p.Phe1465Ser)

Gene: MAP1B (microtubule associated protein 1B; plus strand). Cytogenetic location: 5q13.2.
Variant type: single nucleotide variant.
Coding change: c.4394T>C on transcript NM_005909.5 (MANE Select); coding-DNA position 4394, T replaced by C.
Protein change: p.Phe1465Ser; replaces phenylalanine 1465 with serine.
Molecular consequence: missense variant.
Genome position (GRCh38, 1-based): chr5:72,197,749, T>C. VCF-style: chr5-72197749-T-C. GRCh37 (hg19) VCF-style: chr5-71493576-T-C.
Other names: c.4016T>C, p.Phe1339Ser (NM_001324255.2); c.4394T>C (NM_005909.4); short protein forms F1339S, F1465S.
Identifiers: ClinVar variation 2327733 (VCV002327733.4), dbSNP rs367918877, ClinGen allele CA3299162.

ClinVar aggregate classification (germline): Uncertain significance. Review status: criteria provided, single submitter (1 of 4 stars). 2 submissions from 2 submitters: Uncertain significance (1). 1 of the submissions does not count toward it. Last evaluated 2022-11-18.

Conditions:
Inborn genetic diseases. Identifiers: MedGen C0950123, MeSH D030342.
MAP1B-related disorder. Also called: MAP1B-related condition.

Allele frequency attached by ClinVar (database versions not stated): ExAC 0.00001; TOPMed 0.00001; gnomAD exomes 0.00002; ESP Exome Variant Server 0.00008.
gnomAD v4.1: 23 of 1,614,156 alleles (0.0014%); highest among the groups gnomAD compares: Non-Finnish European, 0.0019%; no homozygotes.

Submissions (2):

Ambry Genetics
Classification: Uncertain significance for Inborn genetic diseases. Last evaluated: 2022-11-18. Review status: criteria provided, single submitter. Criteria: Ambry Variant Classification Scheme 2023. Collection method: clinical testing. Allele origin: germline.

PreventionGenetics, part of Exact Sciences
Classification: Uncertain significance for MAP1B-related condition. Last evaluated: 2023-11-30. Review status: no assertion criteria provided. Collection method: clinical testing. Allele origin: germline. Not counted in ClinVar's aggregate classification.
Comment: The MAP1B c.4394T>C variant is predicted to result in the amino acid substitution p.Phe1465Ser. To our knowledge, this variant has not been reported in the literature. This variant is reported in 0.0063% of alleles in individuals of African descent in gnomAD. At this time, the clinical significance of this variant is uncertain due to the absence of conclusive functional and genetic evidence.